The following is an entry in ClinVar:

ClinVar aggregate classification (germline): Uncertain significance (1 of 4 stars; one submission).

Conditions:
Inborn genetic diseases. Identifiers: MedGen C0950123, MeSH D030342.

Submission:

Ambry Genetics
Classification: Uncertain significance for Inborn genetic diseases. Last evaluated: 2019-01-15. Review status: criteria provided, single submitter. Criteria: Ambry Variant Classification Scheme 2023. Collection method: clinical testing. Allele origin: germline.
Comment: The p.P92L variant (also known as c.275C>T), located in coding exon 3 of the PNPO gene, results from a C to T substitution at nucleotide position 275. The proline at codon 92 is replaced by leucine, an amino acid with similar properties. This amino acid position is highly conserved in available vertebrate species. In addition, this alteration is predicted to be deleterious by in silico analysis. Since supporting evidence is limited at this time, the clinical significance of this alteration remains unclear.

NM_018129.4(PNPO):c.275C>T (p.Pro92Leu)

Gene: PNPO (pyridoxamine 5'-phosphate oxidase; plus strand). Cytogenetic location: 17q21.32.
Variant type: single nucleotide variant.
Coding change: c.275C>T on transcript NM_018129.4 (MANE Select); coding-DNA position 275, C replaced by T.
Protein change: p.Pro92Leu; replaces proline 92 with leucine.
Molecular consequence: missense variant.
Genome position (GRCh38, 1-based): chr17:47,944,627, C>T. VCF-style: chr17-47944627-C-T. GRCh37 (hg19) VCF-style: chr17-46021993-C-T.
Other names: short protein forms P92L.
Identifiers: ClinVar variation 1795660 (VCV001795660.2), dbSNP rs753372216, ClinGen allele CA400056899.